The following is an entry in ClinVar:

ClinVar aggregate classification (germline): Pathogenic. Review status: criteria provided, multiple submitters, no conflicts (2 of 4 stars). 2 submissions from 2 submitters: Pathogenic (2). Last evaluated 2023-09-25.

Conditions:
Fanconi anemia (FA). Also called: Fanconi's anemia. Identifiers: Orphanet 84, MedGen C0015625, MeSH D005199, MONDO:0019391.
Fanconi anemia complementation group A (FANCA). Also called: FANCA-Related Fanconi Anemia; Fanconi anemia, group A. Identifiers: Orphanet 84, MedGen C3469521, MONDO:0009215, OMIM 227650.

Allele frequency attached by ClinVar (database versions not stated): TOPMed below 0.00001.

Submissions (2):

Labcorp Genetics (formerly Invitae), Labcorp
Classification: Pathogenic for Fanconi anemia. Last evaluated: 2023-09-25. Review status: criteria provided, single submitter. Criteria: Invitae Variant Classification Sherloc (09022015). Collection method: clinical testing. Allele origin: germline.
Comment: This sequence change creates a premature translational stop signal (p.Ser251*) in the FANCA gene. It is expected to result in an absent or disrupted protein product. Loss-of-function variants in FANCA are known to be pathogenic (PMID: 19367192). This variant is not present in population databases (gnomAD no frequency). This premature translational stop signal has been observed in individual(s) with Fanconi anemia (PMID: 29098742). ClinVar contains an entry for this variant (Variation ID: 1381374). For these reasons, this variant has been classified as Pathogenic.

Juno Genomics, Hangzhou Juno Genomics, Inc
Classification: Pathogenic for Fanconi anemia complementation group A. Review status: criteria provided, single submitter. Criteria: ACMG Guidelines, 2015. Collection method: clinical testing. Allele origin: germline.
Comment: Absent from controls (or at extremely low frequency if recessive) in Genome Aggregation Database.;Null variant in a gene where loss of function (LOF) is a known mechanism of disease.;For recessive disorders, detected in trans with a pathogenic variant.;Patient's phenotype or family history is highly specific for a disease with a single genetic etiology.

Literature cited by the submitters: PubMed 19367192 (cited by Labcorp Genetics (formerly Invitae), Labcorp); PubMed 29098742 (cited by Labcorp Genetics (formerly Invitae), Labcorp).

NM_000135.4(FANCA):c.752C>G (p.Ser251Ter)

Gene: FANCA (FA complementation group A; minus strand). Cytogenetic location: 16q24.3.
Variant type: single nucleotide variant.
Coding change: c.752C>G on transcript NM_000135.4 (MANE Select); coding-DNA position 752, C replaced by G.
Protein change: p.Ser251Ter; replaces serine 251 with a stop codon.
Molecular consequence: nonsense.
Genome position (GRCh38, 1-based): chr16:89,803,299, G>C on the plus strand (C>G on the coding strand, the complement: FANCA is on the minus strand). VCF-style: chr16-89803299-G-C. GRCh37 (hg19) VCF-style: chr16-89869707-G-C.
Other names: c.752C>G, p.Ser251Ter (NM_001018112.3, NM_001286167.3); c.656C>G, p.Ser219Ter (NM_001351830.2); short protein forms S219*, S251*.
Identifiers: ClinVar variation 1381374 (VCV001381374.8), dbSNP rs878853666, ClinGen allele CA397476170.